The following is an entry in ClinVar:

NM_014712.3(SETD1A):c.4995G>A (p.Lys1665=)

Gene: SETD1A (SET domain containing 1A, histone lysine methyltransferase; plus strand). Cytogenetic location: 16p11.2.
Variant type: single nucleotide variant.
Coding change: c.4995G>A on transcript NM_014712.3 (MANE Select); coding-DNA position 4995, G replaced by A.
Protein change: p.Lys1665=; no amino-acid change (lysine 1665 retained).
Molecular consequence: synonymous variant.
Genome position (GRCh38, 1-based): chr16:30,983,894, G>A. VCF-style: chr16-30983894-G-A. GRCh37 (hg19) VCF-style: chr16-30995215-G-A.
Identifiers: ClinVar variation 4083865 (VCV004083865.8).

ClinVar aggregate classification (germline): Likely benign (1 of 4 stars; one submission).

Submission:

CeGaT Center for Human Genetics Tuebingen
Classification: Likely benign. Last evaluated: 2025-06-01. Review status: criteria provided, single submitter. Criteria: CeGaT Center For Human Genetics Tuebingen Variant Classification Criteria Version 2. Collection method: clinical testing. Allele origin: germline. Affected: yes. Observed: 1 variant allele.
Comment: SETD1A: BP4, BP7